The following is an entry in ClinVar:

ClinVar aggregate classification (germline): Uncertain significance. Review status: criteria provided, multiple submitters, no conflicts (2 of 4 stars). 3 submissions from 3 submitters: Uncertain significance (3). Last evaluated 2026-04-23.

Conditions:
Myopathy, myofibrillar, 9, with early respiratory failure (MFM9). Also called: Myopathy, distal, with early respiratory failure, autosomal dominant; Hereditary myopathy with early respiratory failure; EDSTROM MYOPATHY; MYOPATHY, PROXIMAL, WITH EARLY RESPIRATORY MUSCLE INVOLVEMENT. Identifiers: Orphanet 178464, Orphanet 34521, MedGen C1863599, MONDO:0011362, OMIM 603689.
Dilated cardiomyopathy 1G (CMD1G). Identifiers: Orphanet 154, MedGen C1858763, MONDO:0011400, OMIM 604145.
Early-onset myopathy with fatal cardiomyopathy (CMYO5). Also called: CONGENITAL MYOPATHY 5 WITH CARDIOMYOPATHY; Salih Myopathy. Identifiers: Orphanet 289377, MedGen C2673677, MONDO:0012714, OMIM 611705. Disease mechanism: loss of function.
Hypertrophic cardiomyopathy 9. Also called: Familial hypertrophic cardiomyopathy 9. Identifiers: MedGen C1861065, MONDO:0013412, OMIM 613765.
Autosomal recessive limb-girdle muscular dystrophy type 2J (LGMDR10). Also called: MUSCULAR DYSTROPHY, LIMB-GIRDLE, AUTOSOMAL RECESSIVE 10; Limb-girdle muscular dystrophy, type 2J. Identifiers: Orphanet 140922, MedGen C1837342, MONDO:0012127, OMIM 608807.
Tibial muscular dystrophy (TMD). Also called: Tibial muscular dystrophy, tardive; Udd Distal Myopathy – Tibial Muscular Dystrophy; UDD MYOPATHY. Identifiers: Orphanet 609, MedGen C1838244, MONDO:0010870, OMIM 600334.
TTN-related disorder. Also called: TTN-related condition; TTN-related disease; TTN-related disorders.

Allele frequency attached by ClinVar (database versions not stated): gnomAD exomes below 0.00001; gnomAD 0.00001 and 0.00002; TOPMed 0.00003; ESP Exome Variant Server 0.00008.
gnomAD v4.1: 3 of 1,613,922 alleles (0.00019%); highest among the groups gnomAD compares: African/African-American, 0.004%; no homozygotes.

Submissions (3):

PreventionGenetics, part of Exact Sciences
Classification: Uncertain significance for TTN-related condition. Last evaluated: 2026-04-23. Review status: criteria provided, single submitter. Criteria: ACMG Guidelines, 2015. Collection method: clinical testing. Allele origin: germline.
Comment: The TTN c.6414A>G variant is predicted to result in the amino acid substitution p.Ile2138Met. To our knowledge, this variant has not been reported in the literature or in a large population database (gnomAD), indicating this variant is rare. At this time, the clinical significance of this variant is uncertain due to the absence of conclusive functional and genetic evidence.

Fulgent Genetics
Classification: Uncertain significance for Tibial muscular dystrophy; Myopathy, myofibrillar, 9, with early respiratory failure; Dilated cardiomyopathy 1G; Autosomal recessive limb-girdle muscular dystrophy type 2J; Early-onset myopathy with fatal cardiomyopathy; Hypertrophic cardiomyopathy 9. Last evaluated: 2021-11-05. Review status: criteria provided, single submitter. Criteria: ACMG Guidelines, 2015. Collection method: clinical testing. Allele origin: unknown.

Eurofins Ntd Llc (ga)
Classification: Uncertain significance. Last evaluated: 2018-04-20. Review status: criteria provided, single submitter. Criteria: EGL ClinVar v180209 classification definitions. Collection method: clinical testing. Allele origin: germline. Observed: 1 variant allele, 1 heterozygote.

NM_001267550.2(TTN):c.6414A>G (p.Ile2138Met)

Gene: TTN (titin; minus strand). Cytogenetic location: 2q31.2.
Variant type: single nucleotide variant.
Coding change: c.6414A>G on transcript NM_001267550.2 (MANE Select); coding-DNA position 6414, A replaced by G.
Protein change: p.Ile2138Met; replaces isoleucine 2138 with methionine.
Molecular consequence: missense variant.
Genome position (GRCh38, 1-based): chr2:178,775,450, T>C on the plus strand (A>G on the coding strand, the complement: TTN is on the minus strand). VCF-style: chr2-178775450-T-C. GRCh37 (hg19) VCF-style: chr2-179640177-T-C.
Other names: c.6414A>G, p.Ile2138Met (NM_001256850.1, NM_133378.4, NM_133379.5); c.6276A>G, p.Ile2092Met (NM_003319.4, NM_133432.3, NM_133437.4); short protein forms I2138M, I2092M.
Identifiers: ClinVar variation 596742 (VCV000596742.7), dbSNP rs368391123, ClinGen allele CA60977200.
Genomic context (GRCh38, chr2:178,775,450, plus strand): 5'-TCCAGCTATGTTGATGGCTTTTACCATGATGCTGGCAGAGTCCTCAGCAGTCACATCTCT[T>C]ATGACCAATTCACAAACATTGTCTTCGGGCCAGTACCAGTAGATCCGGTCAGACCGTTCA-3'
Protein context (NP_001254479.2, residues 2128-2148): WPEDNVCELV[Ile2138Met]RDVTAEDSAS